The following is an entry in ClinVar:

ClinVar aggregate classification (germline): Conflicting classifications of pathogenicity. Review status: criteria provided, conflicting classifications (1 of 4 stars). 3 submissions from 3 submitters: Pathogenic (1); Likely pathogenic (1); Uncertain significance (1). Last evaluated 2024-10-25.

Conditions:
Hereditary pulmonary alveolar proteinosis. Also called: Pulmonary surfactant metabolism dysfunction. Identifiers: Orphanet 264675, MedGen C3711368, MONDO:0012580.

Allele frequency attached by ClinVar (database versions not stated): TOPMed below 0.00001.
gnomAD v4.1: 7 of 1,614,052 alleles (0.00043%); highest among the groups gnomAD compares: East Asian, 0.0022%; no homozygotes.

Submissions (3):

GeneDx
Classification: Likely pathogenic. Last evaluated: 2024-10-25. Review status: criteria provided, single submitter. Criteria: GeneDx Variant Classification Process June 2021. Collection method: clinical testing. Allele origin: germline. Affected: yes.
Comment: Not observed at significant frequency in large population cohorts (gnomAD); In silico analysis supports that this missense variant has a deleterious effect on protein structure/function; This variant is associated with the following publications: (PMID: 24871971, 35170262)

Women's Health and Genetics/Laboratory Corporation of America, LabCorp
Classification: Uncertain significance. Last evaluated: 2024-03-08. Review status: criteria provided, single submitter. Criteria: LabCorp Variant Classification Summary - May 2015. Collection method: clinical testing. Allele origin: germline.
Comment: Variant summary: ABCA3 c.1240G>A (p.Ala414Thr) results in a non-conservative amino acid change located in the ABC-2 type transporter, transmembrane domain (IPR013525) of the encoded protein sequence. Five of five in-silico tools predict a damaging effect of the variant on protein function. The variant allele was found at a frequency of 4e-06 in 251484 control chromosomes. c.1240G>A has been reported in the literature in at-least two individuals affected with ABCA3-related deficiency (example, Wambach_2014, Xu_2022). These data indicate that the variant may be associated with disease. To our knowledge, no experimental evidence demonstrating an impact on protein function has been reported. The following publications have been ascertained in the context of this evaluation (PMID: 35170262, 24871971). ClinVar contains an entry for this variant (Variation ID: 1758282). Based on the evidence outlined above, the variant was classified as VUS-possibly pathogenic.

Ambry Genetics
Classification: Pathogenic for Hereditary pulmonary alveolar proteinosis. Last evaluated: 2020-10-21. Review status: criteria provided, single submitter. Criteria: Ambry Variant Classification Scheme 2023. Collection method: clinical testing. Allele origin: germline.
Comment: The p.A414T pathogenic mutation (also known as c.1240G>A), located in coding exon 8 of the ABCA3 gene, results from a G to A substitution at nucleotide position 1240. The alanine at codon 414 is replaced by threonine. This amino acid position is highly conserved in available vertebrate species. In our clinical cohort, p.A414T has been detected in homozygous state in two unrelated affected individuals. Based on the supporting evidence, this alteration is interpreted as a disease-causing mutation.

Literature cited by the submitters: PubMed 24871971 (cited by Women's Health and Genetics/Laboratory Corporation of America, LabCorp and Ambry Genetics); PubMed 35170262 (cited by Women's Health and Genetics/Laboratory Corporation of America, LabCorp).

NM_001089.3(ABCA3):c.1240G>A (p.Ala414Thr)

Gene: ABCA3 (ATP binding cassette subfamily A member 3; minus strand). Cytogenetic location: 16p13.3.
Variant type: single nucleotide variant.
Coding change: c.1240G>A on transcript NM_001089.3 (MANE Select); coding-DNA position 1240, G replaced by A.
Protein change: p.Ala414Thr; replaces alanine 414 with threonine.
Molecular consequence: missense variant.
Genome position (GRCh38, 1-based): chr16:2,308,495, C>T on the plus strand (G>A on the coding strand, the complement: ABCA3 is on the minus strand). VCF-style: chr16-2308495-C-T. GRCh37 (hg19) VCF-style: chr16-2358496-C-T.
Other names: short protein forms A414T.
Identifiers: ClinVar variation 1758282 (VCV001758282.6), dbSNP rs1254014649, ClinGen allele CA394339476.